The following is an entry in ClinVar:

NM_001042492.3(NF1):c.2502A>G (p.Leu834=)

Gene: NF1 (neurofibromin 1; plus strand). Cytogenetic location: 17q11.2.
Variant type: single nucleotide variant.
Coding change: c.2502A>G on transcript NM_001042492.3 (MANE Select); coding-DNA position 2502, A replaced by G.
Protein change: p.Leu834=; no amino-acid change (leucine 834 retained).
Molecular consequence: synonymous variant.
Genome position (GRCh38, 1-based): chr17:31,229,117, A>G. VCF-style: chr17-31229117-A-G. GRCh37 (hg19) VCF-style: chr17-29556135-A-G.
Other names: c.2502A>G, p.Leu834= (NM_000267.4).
Identifiers: ClinVar variation 516007 (VCV000516007.16), dbSNP rs953405312, ClinGen allele CA289335985.

ClinVar aggregate classification (germline): Benign/Likely benign. Review status: criteria provided, multiple submitters, no conflicts (2 of 4 stars). 5 submissions from 5 submitters: Benign (1); Likely benign (4). Last evaluated 2026-05-18.

Conditions:
Hereditary cancer-predisposing syndrome. Also called: Hereditary neoplastic syndrome; Neoplastic Syndromes, Hereditary; Hereditary Cancer Syndrome; Tumor predisposition. Identifiers: Orphanet 140162, MedGen C0027672, MeSH D009386, MONDO:0015356.
Cardiovascular phenotype. Identifiers: MedGen CN230736.
Neurofibromatosis, type 1 (NF1). Also called: Peripheral type neurofibromatosis; Neurofibromatosis, type I; VON RECKLINGHAUSEN DISEASE; NEUROFIBROMATOSIS, TYPE I, SOMATIC. Identifiers: Orphanet 636, MedGen C0027831, MONDO:0018975, OMIM 162200. Disease mechanism: loss of function.

Allele frequency attached by ClinVar (database versions not stated): TOPMed 0.00002; gnomAD exomes below 0.00001; gnomAD 0.00001.
gnomAD v4.1: 5 of 1,611,756 alleles (0.00031%); highest among the groups gnomAD compares: African/African-American, 0.0053%; no homozygotes.

Submissions (5):

Myriad Genetics, Inc.
Classification: Benign for Neurofibromatosis, type 1. Last evaluated: 2026-05-18. Review status: criteria provided, single submitter. Criteria: Myriad Autosomal Dominant, Autosomal Recessive and X-Linked Classification Criteria (2023). Collection method: clinical testing. Allele origin: unknown.
Comment: This variant is considered benign. This variant is a silent/synonymous amino acid change and it is not expected to impact splicing.

Labcorp Genetics (formerly Invitae), Labcorp
Classification: Likely benign for Neurofibromatosis, type 1. Last evaluated: 2026-01-01. Review status: criteria provided, single submitter. Criteria: Invitae Variant Classification Sherloc (09022015). Collection method: clinical testing. Allele origin: germline.

Genome-Nilou Lab
Classification: Likely benign for Neurofibromatosis, type 1. Last evaluated: 2022-03-15. Review status: criteria provided, single submitter. Criteria: ACMG Guidelines, 2015. Collection method: clinical testing. Allele origin: germline. Affected: no.

Ambry Genetics
Classification: Likely benign for Cardiovascular phenotype; Hereditary cancer-predisposing syndrome. Last evaluated: 2018-07-05. Review status: criteria provided, single submitter. Criteria: Ambry Variant Classification Scheme 2023. Collection method: clinical testing. Allele origin: germline.

GeneDx
Classification: Likely benign. Last evaluated: 2018-03-08. Review status: criteria provided, single submitter. Criteria: GeneDx Variant Classification (06012015). Collection method: clinical testing. Allele origin: germline. Affected: yes.
Comment: This variant is considered likely benign or benign based on one or more of the following criteria: it is a conservative change, it occurs at a poorly conserved position in the protein, it is predicted to be benign by multiple in silico algorithms, and/or has population frequency not consistent with disease.